The following is an entry in ClinVar:

ClinVar aggregate classification (germline): Uncertain significance (1 of 4 stars; one submission).

Conditions:
Hypertrophic cardiomyopathy. Also called: HYPERTROPHIC MYOCARDIOPATHY. Identifiers: Orphanet 217569, MedGen C0007194, MeSH D002312, MONDO:0005045, HP:0001639.

gnomAD v4.1: 1 of 1,612,348 alleles (0.000062%); highest among the groups gnomAD compares: African/African-American, 0.0013%; no homozygotes.

Submission:

Labcorp Genetics (formerly Invitae), Labcorp
Classification: Uncertain significance for Hypertrophic cardiomyopathy. Last evaluated: 2024-03-06. Review status: criteria provided, single submitter. Criteria: Invitae Variant Classification Sherloc (09022015). Collection method: clinical testing. Allele origin: germline.
Comment: This sequence change replaces valine, which is neutral and non-polar, with methionine, which is neutral and non-polar, at codon 1837 of the MYH7 protein (p.Val1837Met). This variant is not present in population databases (gnomAD no frequency). This variant has not been reported in the literature in individuals affected with MYH7-related conditions. Advanced modeling of protein sequence and biophysical properties (such as structural, functional, and spatial information, amino acid conservation, physicochemical variation, residue mobility, and thermodynamic stability) has been performed at Invitae for this missense variant, however the output from this modeling did not meet the statistical confidence thresholds required to predict the impact of this variant on MYH7 protein function. In summary, the available evidence is currently insufficient to determine the role of this variant in disease. Therefore, it has been classified as a Variant of Uncertain Significance.

NM_000257.4(MYH7):c.5509G>A (p.Val1837Met)

Gene: MYH7 (myosin heavy chain 7; minus strand). Cytogenetic location: 14q11.2.
Variant type: single nucleotide variant.
Coding change: c.5509G>A on transcript NM_000257.4 (MANE Select); coding-DNA position 5509, G replaced by A.
Protein change: p.Val1837Met; replaces valine 1837 with methionine.
Molecular consequence: missense variant.
Genome position (GRCh38, 1-based): chr14:23,415,045, C>T on the plus strand (G>A on the coding strand, the complement: MYH7 is on the minus strand). VCF-style: chr14-23415045-C-T. GRCh37 (hg19) VCF-style: chr14-23884254-C-T.
Other names: c.5509G>A, p.Val1837Met (NM_001407004.1); short protein forms V1837M.
Identifiers: ClinVar variation 3622296 (VCV003622296.2).